The following is an entry in ClinVar:

ClinVar aggregate classification (germline): Benign. Review status: criteria provided, multiple submitters, no conflicts (2 of 4 stars). 2 submissions from 2 submitters: Benign (2). Last evaluated 2018-01-13.

Conditions:
Thyroid hormone resistance, generalized, autosomal dominant (GRTHD). Also called: HYPERTHYROXINEMIA, FAMILIAL EUTHYROID, SECONDARY TO PITUITARY AND PERIPHERAL RESISTANCE TO THYROID HORMONES. Identifiers: MedGen C2937288, MONDO:0008569, OMIM 188570.

Allele frequency attached by ClinVar (database versions not stated): gnomAD 0.13464 and 0.13697; TOPMed 0.13905; 1000 Genomes Project 0.14237; 1000 Genomes Project 30x 0.14288; gnomAD exomes 0.33333.
gnomAD v4.1: 20,845 of 152,190 alleles (14%); highest among the groups gnomAD compares: South Asian, 22%; 1,542 homozygotes.

Submissions (2):

Illumina Laboratory Services, Illumina
Classification: Benign for Thyroid hormone resistance, generalized, autosomal dominant. Last evaluated: 2018-01-13. Review status: criteria provided, single submitter. Criteria: ICSL Variant Classification Criteria 13 December 2019. Collection method: clinical testing. Allele origin: germline.
Comment: This variant was observed in the ICSL laboratory as part of a predisposition screen in an ostensibly healthy population. It had not been previously curated by ICSL or reported in the Human Gene Mutation Database (HGMD: prior to June 1st, 2018), and was therefore a candidate for classification through an automated scoring system. Utilizing variant allele frequency, disease prevalence and penetrance estimates, and inheritance mode, an automated score was calculated to assess if this variant is too frequent to cause the disease. Based on the score and internal cut-off values, a variant classified as benign is not then subjected to further curation. The score for this variant resulted in a classification of benign for this disease.

Breakthrough Genomics
Classification: Benign. Review status: criteria provided, single submitter. Criteria: ACMG Guidelines, 2015. Collection method: not provided. Allele origin: germline. Inheritance: Autosomal recessive inheritance. Affected: yes.

NM_001354712.2(THRB):c.*5684G>A

Gene: THRB (thyroid hormone receptor beta; minus strand). Cytogenetic location: 3p24.2.
Variant type: single nucleotide variant.
Coding change: c.*5684G>A on transcript NM_001354712.2 (MANE Select); 5684 bases downstream of the stop codon, G replaced by A.
Molecular consequence: 3 prime UTR variant.
Genome position (GRCh38, 1-based): chr3:24,117,200, C>T on the plus strand (G>A on the coding strand, the complement: THRB is on the minus strand). VCF-style: chr3-24117200-C-T. GRCh37 (hg19) VCF-style: chr3-24158691-C-T.
Other names: c.*5684G>A (NM_000461.5, NM_001128176.3, NM_001128177.2 and 8 more transcripts).
Identifiers: ClinVar variation 344533 (VCV000344533.6), dbSNP rs75272640, ClinGen allele CA10615494.